The following is an entry in ClinVar:

NM_015978.3(TNNI3K):c.688G>C (p.Ala230Pro)

Genes: FPGT-TNNI3K (FPGT-TNNI3K readthrough; plus strand), TNNI3K (TNNI3 interacting kinase; plus strand). Cytogenetic location: 1p31.1.
Variant type: single nucleotide variant.
Coding change: c.688G>C on transcript NM_015978.3 (MANE Select); coding-DNA position 688, G replaced by C.
Protein change: p.Ala230Pro; replaces alanine 230 with proline.
Molecular consequence: missense variant.
Genome position (GRCh38, 1-based): chr1:74,342,847, G>C. VCF-style: chr1-74342847-G-C. GRCh37 (hg19) VCF-style: chr1-74808531-G-C.
Other names: c.991G>C, p.Ala331Pro (NM_001112808.3, NM_001199327.2); short protein forms A230P, A331P.
Identifiers: ClinVar variation 1442431 (VCV001442431.6), dbSNP rs201742533, ClinGen allele CA908989.

ClinVar aggregate classification (germline): Uncertain significance (1 of 4 stars; one submission).

Allele frequency attached by ClinVar (database versions not stated): gnomAD exomes below 0.00001 and 0.00004; ExAC 0.00001; TOPMed 0.00003; gnomAD 0.00004 and 0.00005.

Submission:

Labcorp Genetics (formerly Invitae), Labcorp
Classification: Uncertain significance. Last evaluated: 2024-11-04. Review status: criteria provided, single submitter. Criteria: Invitae Variant Classification Sherloc (09022015). Collection method: clinical testing. Allele origin: germline.
Comment: This sequence change replaces alanine, which is neutral and non-polar, with proline, which is neutral and non-polar, at codon 230 of the TNNI3K protein (p.Ala230Pro). This variant is present in population databases (rs201742533, gnomAD 0.0009%). This variant has not been reported in the literature in individuals affected with TNNI3K-related conditions. ClinVar contains an entry for this variant (Variation ID: 1442431). Invitae Evidence Modeling of protein sequence and biophysical properties (such as structural, functional, and spatial information, amino acid conservation, physicochemical variation, residue mobility, and thermodynamic stability) indicates that this missense variant is not expected to disrupt TNNI3K protein function with a negative predictive value of 80%. In summary, the available evidence is currently insufficient to determine the role of this variant in disease. Therefore, it has been classified as a Variant of Uncertain Significance.